The following is an entry in ClinVar:

ClinVar aggregate classification (germline): Uncertain significance (1 of 4 stars; one submission).

Submission:

Labcorp Genetics (formerly Invitae), Labcorp
Classification: Uncertain significance. Last evaluated: 2024-07-21. Review status: criteria provided, single submitter. Criteria: Invitae Variant Classification Sherloc (09022015). Collection method: clinical testing. Allele origin: germline.
Comment: This sequence change affects codon 414 of the LZTR1 mRNA. It is a 'silent' change, meaning that it does not change the encoded amino acid sequence of the LZTR1 protein. This variant is not present in population databases (gnomAD no frequency). This variant has not been reported in the literature in individuals affected with LZTR1-related conditions. Algorithms developed to predict the effect of sequence changes on RNA splicing suggest that this variant may disrupt the consensus splice site. In summary, the available evidence is currently insufficient to determine the role of this variant in disease. Therefore, it has been classified as a Variant of Uncertain Significance.

NM_006767.4(LZTR1):c.1242G>T (p.Gly414=)

Gene: LZTR1 (leucine zipper like post translational regulator 1; plus strand). Cytogenetic location: 22q11.21.
Variant type: single nucleotide variant.
Coding change: c.1242G>T on transcript NM_006767.4 (MANE Select); coding-DNA position 1242, G replaced by T.
Protein change: p.Gly414=; no amino-acid change (glycine 414 retained).
Molecular consequence: synonymous variant.
Genome position (GRCh38, 1-based): chr22:20,992,886, G>T. VCF-style: chr22-20992886-G-T. GRCh37 (hg19) VCF-style: chr22-21347175-G-T.
Identifiers: ClinVar variation 3697603 (VCV003697603.2).